The following is an entry in ClinVar:

NM_000277.3(PAH):c.561G>C (p.Trp187Cys)

Gene: PAH (phenylalanine hydroxylase; minus strand). Cytogenetic location: 12q23.2.
Variant type: single nucleotide variant.
Coding change: c.561G>C on transcript NM_000277.3 (MANE Select); coding-DNA position 561, G replaced by C.
Protein change: p.Trp187Cys; replaces tryptophan 187 with cysteine.
Molecular consequence: missense variant.
Genome position (GRCh38, 1-based): chr12:102,855,281, C>G on the plus strand (G>C on the coding strand, the complement: PAH is on the minus strand). VCF-style: chr12-102855281-C-G. GRCh37 (hg19) VCF-style: chr12-103249059-C-G.
Other names: NM_000277.3(PAH):c.561G>C; p.Trp187Cys; c.561G>C, p.Trp187Cys (NM_001354304.2); short protein forms W187C.
Identifiers: ClinVar variation 102737 (VCV000102737.8), dbSNP rs62507336, ClinGen allele CA229626.
Genomic context (GRCh38, chr12:102,855,281, plus strand): 5'-ATTGTACTCATAGCAAGCATGGGTTTTATACAAGGACTTCAGAGTCTTGAACACTGTGCC[C>G]CATGTTTTCTTTTCTTCCTCCATGTATTCCACTCGAGGGATGGGCTGCCCACTAGAATAC-3'
Protein context (NP_000268.1, residues 177-197): VEYMEEEKKT[Trp187Cys]GTVFKTLKSL

ClinVar aggregate classification (germline): Likely pathogenic. Review status: reviewed by expert panel (3 of 4 stars). 5 submissions from 5 submitters: Likely pathogenic (1). 4 of the submissions do not count toward it. Last evaluated 2021-10-31.

Conditions:
Phenylketonuria (PKU). Also called: Phenylketonuria (PKU); FOLLING DISEASE; OLIGOPHRENIA PHENYLPYRUVICA; Phenylketonurias. Identifiers: Orphanet 716, MedGen C0031485, MONDO:0009861, OMIM 261600. Disease mechanism: loss of function.

Submissions (5):

ClinGen PAH Variant Curation Expert Panel
Classification: Likely pathogenic for Phenylketonuria. Last evaluated: 2021-10-31. Review status: reviewed by expert panel. Criteria: ClinGen PAH ACMG Specifications v1. Collection method: curation. Allele origin: germline. Inheritance: Autosomal recessive inheritance.
Comment: It was detected with the pathogenic variant p.Val388Met in the siblings. PAH activity for this variant was 1% compared to wild type in a COS cell expression system (PMID: 9860305). This variant is absent in population databases, and predicted deleterious in multiple lines of computational evidence. In summary, this variant meets the criteria to be classified as Likely pathogenic for PAH deficiency based on the ACMG/AMP criteria applied, as specified by the ClinGen PAH VCEP: PP4_moderate, PS3_supporting, PM2, PM3_supporting, PP3.

Labcorp Genetics (formerly Invitae), Labcorp
Classification: Pathogenic for Phenylketonuria. Last evaluated: 2023-12-29. Review status: criteria provided, single submitter. Criteria: Invitae Variant Classification Sherloc (09022015). Collection method: clinical testing. Allele origin: germline. Not counted in ClinVar's aggregate classification.
Comment: This sequence change replaces tryptophan, which is neutral and slightly polar, with cysteine, which is neutral and slightly polar, at codon 187 of the PAH protein (p.Trp187Cys). This variant is not present in population databases (gnomAD no frequency). This missense change has been observed in individual(s) with phenylketonuria (PMID: 32668217; BIOPKU). ClinVar contains an entry for this variant (Variation ID: 102737). Advanced modeling of protein sequence and biophysical properties (such as structural, functional, and spatial information, amino acid conservation, physicochemical variation, residue mobility, and thermodynamic stability) performed at Invitae indicates that this missense variant is expected to disrupt PAH protein function with a positive predictive value of 80%. Experimental studies have shown that this missense change affects PAH function (PMID: 9860305, 17924342). This variant disrupts the p.Trp187 amino acid residue in PAH. Other variant(s) that disrupt this residue have been determined to be pathogenic (PMID: 32668217; BIOPKU). This suggests that this residue is clinically significant, and that variants that disrupt this residue are likely to be disease-causing. For these reasons, this variant has been classified as Pathogenic.

Baylor Genetics
Classification: Likely pathogenic for Phenylketonuria. Last evaluated: 2023-01-04. Review status: criteria provided, single submitter. Criteria: ACMG Guidelines, 2015. Collection method: clinical testing. Allele origin: unknown. Not counted in ClinVar's aggregate classification.

Counsyl
Classification: Uncertain significance for Phenylketonuria. Last evaluated: 2017-08-02. Review status: no assertion criteria provided. Collection method: clinical testing. Allele origin: unknown. Not counted in ClinVar's aggregate classification.

DeBelle Laboratory for Biochemical Genetics, MUHC/MCH RESEARCH INSTITUTE
No classification provided. Review status: no classification provided. Collection method: not provided. Allele origin: not provided. Not counted in ClinVar's aggregate classification.

Literature cited by the submitters: PubMed 32668217 (cited by Labcorp Genetics (formerly Invitae), Labcorp); PubMed 9860305 (cited by Labcorp Genetics (formerly Invitae), Labcorp and Counsyl); PubMed 17924342 (cited by Labcorp Genetics (formerly Invitae), Labcorp and Counsyl); PubMed 10527663 (cited by Counsyl).